The following is an entry in ClinVar:

ClinVar aggregate classification (germline): Uncertain significance. Review status: criteria provided, multiple submitters, no conflicts (2 of 4 stars). 2 submissions from 2 submitters: Uncertain significance (2). Last evaluated 2025-08-03.

Conditions:
Cardiovascular phenotype. Identifiers: MedGen CN230736.
RASopathy. Also called: rasopathies; Noonan spectrum disorder. Identifiers: Orphanet 536391, MedGen C5555857, MONDO:0021060.

Submissions (2):

Ambry Genetics
Classification: Uncertain significance for Cardiovascular phenotype. Last evaluated: 2025-08-03. Review status: criteria provided, single submitter. Criteria: Ambry Variant Classification Scheme 2023. Collection method: clinical testing. Allele origin: germline.
Comment: The p.E204V variant (also known as c.611A>T), located in coding exon 5 of the PTPN11 gene, results from an A to T substitution at nucleotide position 611. The glutamic acid at codon 204 is replaced by valine, an amino acid with dissimilar properties. This amino acid position is conserved. In addition, this alteration is predicted to be deleterious by in silico analysis. Based on the available evidence, the clinical significance of this variant remains unclear.

Labcorp Genetics (formerly Invitae), Labcorp
Classification: Uncertain significance for RASopathy. Last evaluated: 2022-10-27. Review status: criteria provided, single submitter. Criteria: Invitae Variant Classification Sherloc (09022015). Collection method: clinical testing. Allele origin: germline.
Comment: In summary, the available evidence is currently insufficient to determine the role of this variant in disease. Therefore, it has been classified as a Variant of Uncertain Significance. This sequence change replaces glutamic acid, which is acidic and polar, with valine, which is neutral and non-polar, at codon 204 of the PTPN11 protein (p.Glu204Val). This variant is not present in population databases (gnomAD no frequency). This variant has not been reported in the literature in individuals affected with PTPN11-related conditions. Advanced modeling of protein sequence and biophysical properties (such as structural, functional, and spatial information, amino acid conservation, physicochemical variation, residue mobility, and thermodynamic stability) performed at Invitae indicates that this missense variant is expected to disrupt PTPN11 protein function.

NM_002834.5(PTPN11):c.611A>T (p.Glu204Val)

Gene: PTPN11 (protein tyrosine phosphatase non-receptor type 11; plus strand). Cytogenetic location: 12q24.13.
Variant type: single nucleotide variant.
Coding change: c.611A>T on transcript NM_002834.5 (MANE Select); coding-DNA position 611, A replaced by T.
Protein change: p.Glu204Val; replaces glutamic acid 204 with valine.
Molecular consequence: missense variant.
Genome position (GRCh38, 1-based): chr12:112,454,649, A>T. VCF-style: chr12-112454649-A-T. GRCh37 (hg19) VCF-style: chr12-112892453-A-T.
Other names: c.611A>T, p.Glu204Val (NM_001330437.2, NM_080601.3); c.608A>T, p.Glu203Val (NM_001374625.1); short protein forms E203V, E204V.
Identifiers: ClinVar variation 2810001 (VCV002810001.4), dbSNP rs2135869778, ClinGen allele CA386782479.